The following is an entry in ClinVar:

ClinVar aggregate classification (germline): Pathogenic (1 of 4 stars; one submission).

Conditions:
Tuberous sclerosis 2 (TSC2). Identifiers: Orphanet 805, MedGen C1860707, MONDO:0013199, OMIM 613254.

Submission:

Labcorp Genetics (formerly Invitae), Labcorp
Classification: Pathogenic for Tuberous sclerosis 2. Last evaluated: 2018-03-02. Review status: criteria provided, single submitter. Criteria: Invitae Variant Classification Sherloc (09022015). Collection method: clinical testing. Allele origin: germline.
Comment: This variant has not been reported in the literature in individuals with TSC2-related disease. This variant is not present in population databases (ExAC no frequency). A different variant (c.5405_5408dupACTT), that also disrupts the TSC2 termination codon and extends the reading frame past the TSC2 3'UTR (p.Pro1803Leufs*?), lies downstream of this variant and has been determined to be pathogenic (PMID: 24789117). This suggests that disruption of this region of the TSC2 protein is causative of disease. For these reasons, this variant has been classified as Pathogenic. This sequence change deletes the last 29 nucleotides of the coding sequence of TSC2 as well as part of the 3'UTR (c.5393_*57del), causing a frameshift at codon 1798. This creates a frameshift in the last exon of the TSC2 mRNA (p.Ser1798Tyrfs*?). While this is not anticipated to result in nonsense mediated decay, it is expected to disrupt the last 11 amino acids of the TSC2 protein, including the termination codon, and extends the reading frame to a new termination codon outside of the TSC2 3'UTR.

Literature cited by the submitters: PubMed 24789117.

NM_000548.5(TSC2):c.5393_*57del (p.Ser1798fs)

Gene: TSC2 (TSC complex subunit 2; plus strand). Cytogenetic location: 16p13.3.
Variant type: Deletion.
Coding change: c.5393_*57del on transcript NM_000548.5 (MANE Select); coding-DNA position 5393 through 57 bases downstream of the stop codon, 89 bases deleted.
Protein change: p.Ser1798fs; shifts the reading frame from serine 1798.
Molecular consequence: frameshift variant.
Genome position (GRCh38, 1-based): chr16:2,088,579-2,088,667, 89 bases deleted. GRCh37 (hg19): chr16:2,138,580-2,138,668.
Other names: c.5192_*57del, p.Ser1731fs (NM_001077183.3); c.5324_*57del, p.Ser1775fs (NM_001114382.3); c.5084_*57del, p.Ser1695fs (NM_001318827.2); c.5048_*57del, p.Ser1683fs (NM_001318829.2); c.4661_*57del, p.Ser1554fs (NM_001318831.2); c.5225_*57del, p.Ser1742fs (NM_001318832.2); c.5195_*57del, p.Ser1732fs (NM_001363528.2); c.5261_*57del, p.Ser1754fs (NM_001370404.1); and 2 more; short protein forms S1554fs, S1683fs, S1731fs, S1742fs, S1754fs, S1755fs, S1798fs, S1695fs.
Identifiers: ClinVar variation 575312 (VCV000575312.8), dbSNP rs1567135103, ClinGen allele CA891844206.